The following is an entry in ClinVar:

NM_000382.3(ALDH3A2):c.779del (p.Lys260fs)

Gene: ALDH3A2 (aldehyde dehydrogenase 3 family member A2; plus strand). Cytogenetic location: 17p11.2.
Variant type: Deletion.
Coding change: c.779del on transcript NM_000382.3 (MANE Select); coding-DNA position 779, one base deleted (A; older notation c.779delA).
Protein change: p.Lys260fs; shifts the reading frame from lysine 260.
Molecular consequence: frameshift variant.
Genome position (GRCh38, 1-based): chr17:19,657,843, A deleted; the last of 2 consecutive A bases (chr17:19,657,842-19,657,843); deleting either gives the same sequence. VCF-style (leftmost placement, unchanged base first): chr17-19657841-GA-G. GRCh37 (hg19) VCF-style: chr17-19561154-GA-G.
Other names: c.779del, p.Lys260fs (NM_001031806.2, NM_001369136.1, NM_001369137.2 and 3 more transcripts); c.200del, p.Lys67fs (NM_001369148.2); short protein forms K67fs, K260fs.
Identifiers: ClinVar variation 2972841 (VCV002972841.4), dbSNP rs753999443, ClinGen allele CA8442908.
Genomic context (GRCh38, chr17:19,657,841, plus strand): 5'-AACCTGCATTGCACCCGACTATATTCTCTGTGAAGCATCCCTCCAAAATCAAATTGTATG[GA>G]AGATTAAGGAAACAGTGAAGGTTTGTATTAAAAACATCTGATTCCACTGATTTTAATAAG-3'

ClinVar aggregate classification (germline): Pathogenic (1 of 4 stars; one submission).

Submission:

Labcorp Genetics (formerly Invitae), Labcorp
Classification: Pathogenic. Last evaluated: 2024-03-16. Review status: criteria provided, single submitter. Criteria: Invitae Variant Classification Sherloc (09022015). Collection method: clinical testing. Allele origin: germline.
Comment: This sequence change creates a premature translational stop signal (p.Lys260Argfs*6) in the ALDH3A2 gene. It is expected to result in an absent or disrupted protein product. Loss-of-function variants in ALDH3A2 are known to be pathogenic (PMID: 10577908, 10854114). This variant is present in population databases (rs753999443, gnomAD 0.006%). This premature translational stop signal has been observed in individual(s) with Sjögren–Larsson syndrome (PMID: 31944864). Algorithms developed to predict the effect of sequence changes on RNA splicing suggest that this variant may disrupt the consensus splice site. For these reasons, this variant has been classified as Pathogenic.

Literature cited by the submitters: PubMed 10577908; PubMed 10854114; PubMed 31944864.